The following is an entry in ClinVar:

ClinVar aggregate classification (germline): Pathogenic. Review status: criteria provided, multiple submitters, no conflicts (2 of 4 stars). 5 submissions from 5 submitters: Pathogenic (5). Last evaluated 2025-07-17.

Conditions:
Choroideremia. Also called: Chorioretinal scalloped atrophy. Identifiers: Orphanet 180, MedGen C0008525, MONDO:0010557, OMIM 303100, HP:0001139.
Retinal dystrophy. Also called: Inherited retinal dystrophy. Identifiers: Orphanet 71862, MedGen C0854723, MeSH D058499, MONDO:0019118, HP:0000556.

Submissions (5):

Dasa
Classification: Pathogenic for Choroideremia. Last evaluated: 2025-07-17. Review status: criteria provided, single submitter. Criteria: DASA Assertion Criteria. Collection method: clinical testing. Allele origin: germline.
Comment: NM_000390.4(CHM):c.1651_1655del (p.Tyr551Glnfs*14) is a frameshift variant in CHM predicted to alter the reading frame and introduce a premature termination codon and is predicted to result in an absent or altered protein product. Loss of function is an established disease mechanism for CHM (PMID: 33538369; PMID: 27070432). This variant has been reported in individuals with CHM-related disorders. Also, this variant is absent from population databases. Based on the currently available evidence, this variant is classified as pathogenic.

Labcorp Genetics (formerly Invitae), Labcorp
Classification: Pathogenic. Last evaluated: 2025-02-15. Review status: criteria provided, single submitter. Criteria: Invitae Variant Classification Sherloc (09022015). Collection method: clinical testing. Allele origin: germline.
Comment: This sequence change creates a premature translational stop signal (p.Tyr551Glnfs*14) in the CHM gene. It is expected to result in an absent or disrupted protein product. Loss-of-function variants in CHM are known to be pathogenic (PMID: 9067750, 23811034). This variant is not present in population databases (gnomAD no frequency). This premature translational stop signal has been observed in individual(s) with choroideremia (PMID: 30995293). This variant is also known as c.1651delTACTT. ClinVar contains an entry for this variant (Variation ID: 871857). For these reasons, this variant has been classified as Pathogenic.

Mendelics
Classification: Pathogenic for Choroideremia. Last evaluated: 2022-05-04. Review status: criteria provided, single submitter. Criteria: Mendelics Assertion Criteria 2019. Collection method: clinical testing. Allele origin: germline.

Institute of Human Genetics, Univ. Regensburg, Univ. Regensburg
Classification: Pathogenic for Retinal dystrophy. Last evaluated: 2021-01-01. Review status: criteria provided, single submitter. Criteria: ACMG Guidelines, 2015. Collection method: clinical testing. Allele origin: germline. Affected: yes.

CeGaT Center for Human Genetics Tuebingen
Classification: Pathogenic. Last evaluated: 2018-01-01. Review status: criteria provided, single submitter. Criteria: CeGaT Center For Human Genetics Tuebingen Variant Classification Criteria Version 2. Collection method: clinical testing. Allele origin: germline. Affected: yes. Observed: 1 variant allele.

Literature cited by the submitters: PubMed 30995293 (cited by 3 submitters); PubMed 33538369 (cited by Dasa); PubMed 27070432 (cited by Dasa); PubMed 9067750 (cited by Labcorp Genetics (formerly Invitae), Labcorp); PubMed 23811034 (cited by Labcorp Genetics (formerly Invitae), Labcorp).

NM_000390.4(CHM):c.1651_1655del (p.Tyr551fs)

Gene: CHM (CHM Rab escort protein; minus strand). Cytogenetic location: Xq21.2.
Variant type: Deletion.
Coding change: c.1651_1655del on transcript NM_000390.4 (MANE Select); coding-DNA positions 1651 to 1655, 5 bases deleted (TACTT; older notation c.1651_1655delTACTT).
Protein change: p.Tyr551fs; shifts the reading frame from tyrosine 551.
Molecular consequence: frameshift variant.
Genome position (GRCh38, 1-based): chrX:85,873,167-85,873,171, AAGTA deleted on the plus strand (TACTT on the coding strand, the reverse complement: CHM is on the minus strand); deleting any 5 consecutive bases within chrX:85,873,167-85,873,174 gives the same sequence; the c. name uses the placement nearest the transcript's 3' end. VCF-style (leftmost placement, unchanged base first): chrX-85873166-GAAGTA-G. GRCh37 (hg19) VCF-style: chrX-85128171-GAAGTA-G.
Other names: c.1207_1211del, p.Tyr403fs (NM_001320959.1, NM_001362517.1, NM_001362518.2 and 1 more transcripts); short protein forms Y551fs, Y403fs.
Identifiers: ClinVar variation 871857 (VCV000871857.49), dbSNP rs1924193863, ClinGen allele CA1139667702.